The following is an entry in ClinVar:

ClinVar aggregate classification (germline): Pathogenic/Likely pathogenic. Review status: criteria provided, multiple submitters, no conflicts (2 of 4 stars). 6 submissions from 6 submitters: Pathogenic (5); Likely pathogenic (1). Last evaluated 2025-09-02.

Conditions:
Hereditary cancer-predisposing syndrome. Also called: Neoplastic Syndromes, Hereditary; Tumor predisposition; Hereditary Cancer Syndrome; Hereditary neoplastic syndrome. Identifiers: Orphanet 140162, MedGen C0027672, MeSH D009386, MONDO:0015356.
Familial cancer of breast. Also called: BREAST CANCER, FAMILIAL; hereditary breast carcinoma; Hereditary breast cancer. Identifiers: Orphanet 227535, MedGen C0346153, MONDO:0016419, OMIM 114480. Disease mechanism: loss of function.

Allele frequency attached by ClinVar (database versions not stated): gnomAD exomes below 0.00001.

Submissions (6):

Labcorp Genetics (formerly Invitae), Labcorp
Classification: Pathogenic for Familial cancer of breast. Last evaluated: 2025-09-02. Review status: criteria provided, single submitter. Criteria: Invitae Variant Classification Sherloc (09022015). Collection method: clinical testing. Allele origin: germline.
Comment: This sequence change creates a premature translational stop signal (p.Asp1125Glyfs*31) in the PALB2 gene. While this is not anticipated to result in nonsense mediated decay, it is expected to disrupt the last 62 amino acid(s) of the PALB2 protein. This variant is not present in population databases (gnomAD no frequency). This premature translational stop signal has been observed in individual(s) with breast and/or ovarian cancer (PMID: 31841383). ClinVar contains an entry for this variant (Variation ID: 233686). This variant disrupts a region of the PALB2 protein in which other variant(s) (p.Tyr1183*) have been determined to be pathogenic (PMID: 17200671, 20927582, 21165770, 21365267, 26283626). This suggests that this is a clinically significant region of the protein, and that variants that disrupt it are likely to be disease-causing. For these reasons, this variant has been classified as Pathogenic.

Ambry Genetics
Classification: Pathogenic for Hereditary cancer-predisposing syndrome. Last evaluated: 2025-07-18. Review status: criteria provided, single submitter. Criteria: Ambry Variant Classification Scheme 2023. Collection method: clinical testing. Allele origin: germline.
Comment: The c.3374_3395del22 pathogenic mutation, located in coding exon 13 of the PALB2 gene, results from a deletion of 22 nucleotides at nucleotide positions 3374 to 3395, causing a translational frameshift with a predicted alternate stop codon (p.D1125Gfs*31). This alteration occurs at the 3' terminus of PALB2 gene, is not expected to trigger nonsense-mediated mRNA decay, and impacts the last 5% of the protein. However, premature stop codons are typically deleterious in nature and the impacted region is critical for protein function (Ambry internal data). This variant is considered to be rare based on population cohorts in the Genome Aggregation Database (gnomAD). Based on the supporting evidence, this variant is interpreted as a disease-causing mutation.

Myriad Genetics, Inc.
Classification: Pathogenic for Familial cancer of breast. Last evaluated: 2023-09-15. Review status: criteria provided, single submitter. Criteria: Myriad Autosomal Dominant, Autosomal Recessive and X-Linked Classification Criteria (2023). Collection method: clinical testing. Allele origin: unknown.
Comment: This variant is considered pathogenic. This variant creates a frameshift predicted to result in premature protein truncation.

Baylor Genetics
Classification: Pathogenic for Familial cancer of breast. Last evaluated: 2022-11-03. Review status: criteria provided, single submitter. Criteria: ACMG Guidelines, 2015. Collection method: clinical testing. Allele origin: unknown.

Color Diagnostics, LLC DBA Color Health
Classification: Pathogenic for Hereditary cancer-predisposing syndrome. Last evaluated: 2020-01-15. Review status: criteria provided, single submitter. Criteria: ACMG Guidelines, 2015. Collection method: clinical testing. Allele origin: germline.
Comment: This variant deletes 22 nucleotides in exon 13 of the PALB2 gene, creating a frameshift and premature translation stop signal. This variant is expected to result in an absent or non-functional protein product. This variant has not been identified in the general population by the Genome Aggregation Database (gnomAD). Loss of PALB2 function is a known mechanism of disease. Based on the available evidence, this variant is classified as Pathogenic.

GeneDx
Classification: Likely pathogenic. Last evaluated: 2018-02-27. Review status: criteria provided, single submitter. Criteria: GeneDx Variant Classification (06012015). Collection method: clinical testing. Allele origin: germline. Affected: yes.
Comment: This deletion of 22 nucleotides in PALB2 is denoted c.3374_3395del22 at the cDNA level and p.Asp1125GlyfsX31 (D1125GfsX31) at the protein level. The surrounding sequence is AAAG[del22]GACT. The deletion causes a frameshift which changes an Aspartic Acid to a Glycine at codon 1125, and creates a premature stop codon at position 31 of the new reading frame. Although this variant has not, to our knowledge, been reported in the literature, it is predicted to cause loss of normal protein function through protein truncation as the last 62 amino acids are lost and replaced with 30 incorrect amino acids. The disrupted region at the end of the gene is located within the region required for interaction with POLH and POLH DNA synthesis stimulation, the region of interaction with BRCA2 and RAD51, and the WD6 and WD7 repeat domains (UniProt, Oliver 2009, Buisson 2010, Buisson 2014). Based on currently available evidence, we consider this deletion to be a likely pathogenic variant.

Literature cited by the submitters: PubMed 31841383 (cited by Labcorp Genetics (formerly Invitae), Labcorp); PubMed 17200671 (cited by Labcorp Genetics (formerly Invitae), Labcorp); PubMed 20927582 (cited by Labcorp Genetics (formerly Invitae), Labcorp); PubMed 21165770 (cited by Labcorp Genetics (formerly Invitae), Labcorp); PubMed 21365267 (cited by Labcorp Genetics (formerly Invitae), Labcorp); PubMed 26283626 (cited by Labcorp Genetics (formerly Invitae), Labcorp).

NM_024675.4(PALB2):c.3374_3395del (p.Asp1125fs)

Gene: PALB2 (partner and localizer of BRCA2; minus strand). Cytogenetic location: 16p12.2.
Variant type: Deletion.
Coding change: c.3374_3395del on transcript NM_024675.4 (MANE Select); coding-DNA positions 3374 to 3395, 22 bases deleted (ATCACTGTGCAGCAGCAATCTT).
Protein change: p.Asp1125fs; shifts the reading frame from aspartic acid 1125.
Molecular consequence: frameshift variant.
Genome position (GRCh38, 1-based): chr16:23,603,625-23,603,646, AAGATTGCTGCTGCACAGTGAT deleted on the plus strand (ATCACTGTGCAGCAGCAATCTT on the coding strand, the reverse complement: PALB2 is on the minus strand). VCF-style (leftmost placement, unchanged base first): chr16-23603624-CAAGATTGCTGCTGCACAGTGAT-C. GRCh37 (hg19) VCF-style: chr16-23614945-CAAGATTGCTGCTGCACAGTGAT-C.
Other names: c.3374_3395del22 (NM_024675.3).
Identifiers: ClinVar variation 233686 (VCV000233686.23), dbSNP rs876660574, ClinGen allele CA10579917.